The following is an entry in ClinVar:

NM_052989.3(IFT122):c.2415C>T (p.Arg805=)

Gene: IFT122 (intraflagellar transport 122; plus strand). Cytogenetic location: 3q22.1.
Variant type: single nucleotide variant.
Coding change: c.2415C>T on transcript NM_052989.3 (MANE Select); coding-DNA position 2415, C replaced by T.
Protein change: p.Arg805=; no amino-acid change (arginine 805 retained).
Molecular consequence: synonymous variant.
Genome position (GRCh38, 1-based): chr3:129,502,750, C>T. VCF-style: chr3-129502750-C-T. GRCh37 (hg19) VCF-style: chr3-129221593-C-T.
Other names: c.2391C>T, p.Arg797= (NM_001280541.2); c.1965C>T, p.Arg655= (NM_001280545.2); c.1788C>T, p.Arg596= (NM_001280546.2); c.2238C>T, p.Arg746= (NM_018262.4); c.2568C>T, p.Arg856= (NM_052985.4); c.2082C>T, p.Arg694= (NM_052990.3).
Identifiers: ClinVar variation 343253 (VCV000343253.21), dbSNP rs61744218, ClinGen allele CA2606513.
Genomic context (GRCh38, chr3:129,502,750, plus strand): 5'-ACCTGCCCCTTCCCTCTCCAGGTTGATCGACATCGCCCGCAAACTGGACAAGGCTGAGCG[C>T]GAGCCCCTGCTGCTGTGCGCTACCTACCTCAAGAAGCTGGACAGCCCTGGCTATGCTGCT-3'
Protein context (NP_443715.1, residues 795-815): DIARKLDKAE[Arg805=]EPLLLCATYL

ClinVar aggregate classification (germline): Benign/Likely benign. Review status: criteria provided, multiple submitters, no conflicts (2 of 4 stars). 5 submissions from 5 submitters: Benign (2); Likely benign (3). Last evaluated 2026-01-27.

Conditions:
Connective tissue disorder. Also called: Connective tissue disease. Identifiers: MedGen C0009782, MONDO:0003900.
Cranioectodermal dysplasia 1 (CED1). Also called: LEVIN SYNDROME I. Identifiers: Orphanet 1515, MedGen C0432235, MONDO:0021093, OMIM 218330.

Allele frequency attached by ClinVar (database versions not stated): gnomAD exomes 0.00099 and 0.00232; ExAC 0.00287; gnomAD 0.00815 and 0.00860; ESP Exome Variant Server 0.00884; TOPMed 0.00918; 1000 Genomes Project 0.01178; 1000 Genomes Project 30x 0.01343.
gnomAD v4.1: 2,757 of 1,611,280 alleles (0.17%); highest among the groups gnomAD compares: African/African-American, 2.8%; 38 homozygotes.

Submissions (5):

Labcorp Genetics (formerly Invitae), Labcorp
Classification: Benign for Cranioectodermal dysplasia 1. Last evaluated: 2026-01-27. Review status: criteria provided, single submitter. Criteria: Invitae Variant Classification Sherloc (09022015). Collection method: clinical testing. Allele origin: germline.

Genome Diagnostics Laboratory, The Hospital for Sick Children
Classification: Benign for Connective tissue disorder. Last evaluated: 2022-07-15. Review status: criteria provided, single submitter. Criteria: ACMG Guidelines, 2015. Collection method: clinical testing. Allele origin: germline.

GeneDx
Classification: Likely benign. Last evaluated: 2021-03-19. Review status: criteria provided, single submitter. Criteria: GeneDx Variant Classification Process June 2021. Collection method: clinical testing. Allele origin: germline. Affected: yes.

Illumina Laboratory Services, Illumina
Classification: Likely benign for Cranioectodermal dysplasia 1. Last evaluated: 2017-04-27. Review status: criteria provided, single submitter. Criteria: ICSL Variant Classification Criteria 13 December 2019. Collection method: clinical testing. Allele origin: germline.
Comment: This variant was observed as part of a predisposition screen in an ostensibly healthy population. A literature search was performed for the gene, cDNA change, and amino acid change (where applicable). No publications were found based on this search. Allele frequency data from public databases allowed determination this variant is unlikely to cause disease. Therefore, this variant is classified as likely benign.

Breakthrough Genomics
Classification: Likely benign. Review status: criteria provided, single submitter. Criteria: ACMG Guidelines, 2015. Collection method: not provided. Allele origin: germline. Inheritance: Autosomal recessive inheritance. Affected: yes.